The following is an entry in ClinVar:

NM_001113491.2(SEPTIN9):c.226C>T (p.Arg76Cys)

Gene: SEPTIN9 (septin 9; plus strand). Cytogenetic location: 17q25.3.
Variant type: single nucleotide variant.
Coding change: c.226C>T on transcript NM_001113491.2 (MANE Select); coding-DNA position 226, C replaced by T.
Protein change: p.Arg76Cys; replaces arginine 76 with cysteine.
Molecular consequence: missense variant. On other transcripts: 5 prime UTR variant (2).
Genome position (GRCh38, 1-based): chr17:77,402,208, C>T. VCF-style: chr17-77402208-C-T. GRCh37 (hg19) VCF-style: chr17-75398290-C-T.
Other names: c.-267C>T (NM_001113492.2, NM_001113494.1); c.205C>T, p.Arg69Cys (NM_001113493.2); c.169C>T, p.Arg57Cys (NM_001293695.2); c.172C>T, p.Arg58Cys (NM_006640.5); c.172C>T (NM_006640.4); short protein forms R57C, R58C, R69C, R76C.
Identifiers: ClinVar variation 1682584 (VCV001682584.28), dbSNP rs202079794, ClinGen allele CA8793147.

ClinVar aggregate classification (germline): Conflicting classifications of pathogenicity. Review status: criteria provided, conflicting classifications (1 of 4 stars). 5 submissions from 5 submitters: Uncertain significance (2); Likely benign (3). Last evaluated 2025-11-05.

Conditions:
Inborn genetic diseases. Identifiers: MedGen C0950123, MeSH D030342.

Allele frequency attached by ClinVar (database versions not stated): gnomAD 0.00014 and 0.00015; TOPMed 0.00018; gnomAD exomes 0.00022 and 0.00024; ExAC 0.00037; ESP Exome Variant Server 0.00041.
gnomAD v4.1: 347 of 1,613,600 alleles (0.022%); highest among the groups gnomAD compares: Non-Finnish European, 0.025%; no homozygotes.

Submissions (5):

Labcorp Genetics (formerly Invitae), Labcorp
Classification: Uncertain significance. Last evaluated: 2025-11-05. Review status: criteria provided, single submitter. Criteria: Invitae Variant Classification Sherloc (09022015). Collection method: clinical testing. Allele origin: germline.
Comment: This sequence change replaces arginine, which is basic and polar, with cysteine, which is neutral and slightly polar, at codon 58 of the SEPT9 protein (p.Arg58Cys). This variant is present in population databases (rs202079794, gnomAD 0.04%), and has an allele count higher than expected for a pathogenic variant. This variant has not been reported in the literature in individuals affected with SEPT9-related conditions. ClinVar contains an entry for this variant (Variation ID: 1682584). Invitae Evidence Modeling of protein sequence and biophysical properties (such as structural, functional, and spatial information, amino acid conservation, physicochemical variation, residue mobility, and thermodynamic stability) indicates that this missense variant is not expected to disrupt SEPT9 protein function with a negative predictive value of 80%. In summary, the available evidence is currently insufficient to determine the role of this variant in disease. Therefore, it has been classified as a Variant of Uncertain Significance.

Women's Health and Genetics/Laboratory Corporation of America, LabCorp
Classification: Likely benign. Last evaluated: 2025-10-09. Review status: criteria provided, single submitter. Criteria: LabCorp Variant Classification Summary - May 2015. Collection method: clinical testing. Allele origin: germline.
Comment: Variant summary: SEPTIN9 c.172C>T (p.Arg58Cys) results in a non-conservative amino acid change in the encoded protein sequence. Algorithms developed to predict the effect of missense changes on protein structure and function are either unavailable or do not agree on the potential impact of this missense change. The variant allele was found at a frequency of 0.00023 in 279552 control chromosomes. The observed variant frequency exceeds the estimated maximal expected allele frequency for disease-causing variants in SEPTIN9. To our knowledge, no occurrence of c.172C>T in individuals affected with SEPTIN9-related conditions and no experimental evidence demonstrating its impact on protein function have been reported. ClinVar contains an entry for this variant (Variation ID: 1682584). Based on the evidence outlined above, the variant was classified as likely benign.

Ambry Genetics
Classification: Uncertain significance for Inborn genetic diseases. Last evaluated: 2025-03-19. Review status: criteria provided, single submitter. Criteria: Ambry Variant Classification Scheme 2023. Collection method: clinical testing. Allele origin: germline.

CeGaT Center for Human Genetics Tuebingen
Classification: Likely benign. Last evaluated: 2024-05-01. Review status: criteria provided, single submitter. Criteria: CeGaT Center For Human Genetics Tuebingen Variant Classification Criteria Version 2. Collection method: clinical testing. Allele origin: germline. Affected: yes. Observed: 1 variant allele.
Comment: SEPTIN9: BP4, BS2

Blueprint Genetics
Classification: Likely benign. Last evaluated: 2024-02-27. Review status: criteria provided, single submitter. Criteria: ACMG Guidelines, 2015. Collection method: clinical testing. Allele origin: germline.